The following is an entry in ClinVar:

ClinVar aggregate classification (germline): Uncertain significance. Review status: criteria provided, multiple submitters, no conflicts (2 of 4 stars). 4 submissions from 4 submitters: Uncertain significance (4). Last evaluated 2024-09-08.

Conditions:
Congenital myasthenic syndrome 19. Identifiers: Orphanet 590, MedGen C4225235, MONDO:0014745, OMIM 616720.
Inborn genetic diseases. Identifiers: MedGen C0950123, MeSH D030342.

Allele frequency attached by ClinVar (database versions not stated): gnomAD exomes 0.00009 and 0.00008; ExAC 0.00014.
gnomAD v4.1: 139 of 1,611,784 alleles (0.0086%); highest among the groups gnomAD compares: Non-Finnish European, 0.01%; no homozygotes.

Submissions (4):

Ambry Genetics
Classification: Uncertain significance for Inborn genetic diseases. Last evaluated: 2024-09-08. Review status: criteria provided, single submitter. Criteria: Ambry Variant Classification Scheme 2023. Collection method: clinical testing. Allele origin: germline.

Revvity Omics, Revvity
Classification: Uncertain significance for Congenital myasthenic syndrome 19. Last evaluated: 2023-11-17. Review status: criteria provided, single submitter. Criteria: ACMG Guidelines, 2015. Collection method: clinical testing. Allele origin: germline.

Mayo Clinic Laboratories, Mayo Clinic
Classification: Uncertain significance. Last evaluated: 2023-10-17. Review status: criteria provided, single submitter. Criteria: ACMG Guidelines, 2015. Collection method: clinical testing. Allele origin: germline. Observed: 1 variant allele.

Labcorp Genetics (formerly Invitae), Labcorp
Classification: Uncertain significance. Last evaluated: 2022-10-14. Review status: criteria provided, single submitter. Criteria: Invitae Variant Classification Sherloc (09022015). Collection method: clinical testing. Allele origin: germline.
Comment: This sequence change replaces aspartic acid, which is acidic and polar, with asparagine, which is neutral and polar, at codon 191 of the COL13A1 protein (p.Asp191Asn). This variant is present in population databases (rs373143216, gnomAD 0.02%). This variant has not been reported in the literature in individuals affected with COL13A1-related conditions. ClinVar contains an entry for this variant (Variation ID: 1485590). Algorithms developed to predict the effect of missense changes on protein structure and function are either unavailable or do not agree on the potential impact of this missense change (SIFT: "Deleterious"; PolyPhen-2: "Benign"; Align-GVGD: "Class C0"). In summary, the available evidence is currently insufficient to determine the role of this variant in disease. Therefore, it has been classified as a Variant of Uncertain Significance.

NM_001368882.1(COL13A1):c.598G>A (p.Asp200Asn)

Gene: COL13A1 (collagen type XIII alpha 1 chain; plus strand). Cytogenetic location: 10q22.1.
Variant type: single nucleotide variant.
Coding change: c.598G>A on transcript NM_001368882.1 (MANE Select); coding-DNA position 598, G replaced by A.
Protein change: p.Asp200Asn; replaces aspartic acid 200 with asparagine.
Molecular consequence: missense variant. On other transcripts: 5 prime UTR variant (1).
Genome position (GRCh38, 1-based): chr10:69,889,435, G>A. VCF-style: chr10-69889435-G-A. GRCh37 (hg19) VCF-style: chr10-71649191-G-A.
Other names: p.Asp191Asn; c.571G>A (NM_001130103.1); c.571G>A, p.Asp191Asn (NM_001130103.2, NM_080800.4, NM_080801.4 and 1 more transcripts); c.598G>A, p.Asp200Asn (NM_001320951.2, NM_001368884.1); c.562G>A, p.Asp188Asn (NM_001368883.1, NM_001368885.1); c.-3G>A (NM_001368886.1); c.508G>A, p.Asp170Asn (NM_001368895.1); c.457G>A, p.Asp153Asn (NM_001368896.1, NM_001368898.1, NM_080798.4); and 1 more; short protein forms D170N, D153N, D162N, D191N, D188N, D200N.
Identifiers: ClinVar variation 1485590 (VCV001485590.6), dbSNP rs373143216, ClinGen allele CA5534282.